The following is an entry in ClinVar:

NM_024642.5(GALNT12):c.194T>G (p.Met65Arg)

Gene: GALNT12 (polypeptide N-acetylgalactosaminyltransferase 12; plus strand). Cytogenetic location: 9q22.33.
Variant type: single nucleotide variant.
Coding change: c.194T>G on transcript NM_024642.5 (MANE Select); coding-DNA position 194, T replaced by G.
Protein change: p.Met65Arg; replaces methionine 65 with arginine.
Molecular consequence: missense variant.
Genome position (GRCh38, 1-based): chr9:98,807,892, T>G. VCF-style: chr9-98807892-T-G. GRCh37 (hg19) VCF-style: chr9-101570174-T-G.
Other names: short protein forms M65R.
Identifiers: ClinVar variation 1783207 (VCV001783207.2), dbSNP rs1835412369, ClinGen allele CA374222496.

ClinVar aggregate classification (germline): Uncertain significance (1 of 4 stars; one submission).

Submission:

Ambry Genetics
Classification: Uncertain significance. Last evaluated: 2021-08-04. Review status: criteria provided, single submitter. Criteria: Ambry Variant Classification Scheme 2023. Collection method: clinical testing. Allele origin: germline.
Comment: The p.M65R variant (also known as c.194T>G), located in coding exon 1 of the GALNT12 gene, results from a T to G substitution at nucleotide position 194. The methionine at codon 65 is replaced by arginine, an amino acid with similar properties. This amino acid position is conserved. In addition, this alteration is predicted to be tolerated by in silico analysis. Since supporting evidence is limited at this time, the clinical significance of this alteration remains unclear.